The following is an entry in ClinVar:

ClinVar aggregate classification (germline): Pathogenic (1 of 4 stars; one submission).

Conditions:
Hereditary nonpolyposis colorectal neoplasms. Identifiers: MedGen C0009405, MeSH D003123.

Submission:

Labcorp Genetics (formerly Invitae), Labcorp
Classification: Pathogenic for Hereditary nonpolyposis colorectal neoplasms. Last evaluated: 2020-09-09. Review status: criteria provided, single submitter. Criteria: Invitae Variant Classification Sherloc (09022015). Collection method: clinical testing. Allele origin: germline.
Comment: This sequence change creates a premature translational stop signal (p.Glu44*) in the PMS2 gene. It is expected to result in an absent or disrupted protein product. This variant is not present in population databases (ExAC no frequency). This variant has not been reported in the literature in individuals with PMS2-related conditions. Loss-of-function variants in PMS2 are known to be pathogenic (PMID: 21376568, 24362816). For these reasons, this variant has been classified as Pathogenic.

Literature cited by the submitters: PubMed 21376568; PubMed 24362816.

NM_000535.7(PMS2):c.130G>T (p.Glu44Ter)

Gene: PMS2 (PMS1 homolog 2, mismatch repair system component; minus strand). Cytogenetic location: 7p22.1.
Variant type: single nucleotide variant.
Coding change: c.130G>T on transcript NM_000535.7 (MANE Select); coding-DNA position 130, G replaced by T.
Protein change: p.Glu44Ter; replaces glutamic acid 44 with a stop codon.
Molecular consequence: nonsense. On other transcripts: 5 prime UTR variant (8), non-coding transcript variant (1), intron variant (3).
Genome position (GRCh38, 1-based): chr7:6,005,925, C>A on the plus strand (G>T on the coding strand, the complement: PMS2 is on the minus strand). VCF-style: chr7-6005925-C-A. GRCh37 (hg19) VCF-style: chr7-6045556-C-A.
Other names: c.-276G>T (NM_001322003.2, NM_001322005.2, NM_001322009.2 and 1 more transcripts); c.130G>T, p.Glu44Ter (NM_001322006.2, NM_001322014.2); c.-86G>T (NM_001322007.2); c.-755G>T (NM_001322011.2, NM_001322012.2); c.-355G>T (NM_001322015.2); c.-52-1867G>T (NM_001322008.2); c.-242-1867G>T (NM_001322010.2, NM_001322004.2); short protein forms E44*.
Identifiers: ClinVar variation 1068580 (VCV001068580.7), dbSNP rs786202669, ClinGen allele CA366745007.